The following is an entry in ClinVar:

ClinVar aggregate classification (germline): Likely benign. Review status: criteria provided, multiple submitters, no conflicts (2 of 4 stars). 3 submissions from 3 submitters: Likely benign (3). Last evaluated 2026-01-06.

Conditions:
Autosomal dominant optic atrophy classic form (OPA1). Also called: Optic Atrophy Type 1; KJER-TYPE OPTIC ATROPHY; OPTIC ATROPHY, JUVENILE. Identifiers: Orphanet 98673, MedGen C0338508, MONDO:0008134, OMIM 165500.

Allele frequency attached by ClinVar (database versions not stated): ExAC 0.00002; gnomAD 0.00004; gnomAD exomes 0.00004 and 0.00010; TOPMed 0.00005.
gnomAD v4.1: 151 of 1,613,314 alleles (0.0094%); highest among the groups gnomAD compares: Non-Finnish European, 0.013%; no homozygotes.

Submissions (3):

Labcorp Genetics (formerly Invitae), Labcorp
Classification: Likely benign. Last evaluated: 2026-01-06. Review status: criteria provided, single submitter. Criteria: Invitae Variant Classification Sherloc (09022015). Collection method: clinical testing. Allele origin: germline.

Blueprint Genetics
Classification: Likely benign. Last evaluated: 2024-07-18. Review status: criteria provided, single submitter. Criteria: ACMG Guidelines, 2015. Collection method: clinical testing. Allele origin: germline.

Illumina Laboratory Services, Illumina
Classification: Likely benign for Autosomal dominant optic atrophy classic form. Last evaluated: 2018-01-12. Review status: criteria provided, single submitter. Criteria: ICSL Variant Classification Criteria 13 December 2019. Collection method: clinical testing. Allele origin: germline.
Comment: This variant was observed in the ICSL laboratory as part of a predisposition screen in an ostensibly healthy population. It had not been previously curated by ICSL or reported in the Human Gene Mutation Database (HGMD: prior to June 1st, 2018), and was therefore a candidate for classification through an automated scoring system. Utilizing variant allele frequency, disease prevalence and penetrance estimates, and inheritance mode, an automated score was calculated to assess if this variant is too frequent to cause the disease. Based on the score and internal cut-off values, a variant classified as likely benign is not then subjected to further curation. The score for this variant resulted in a classification of likely benign for this disease.

NM_130837.3(OPA1):c.339C>T (p.Tyr113=)

Gene: OPA1 (OPA1 mitochondrial dynamin like GTPase; plus strand). Cytogenetic location: 3q29.
Variant type: single nucleotide variant.
Coding change: c.339C>T on transcript NM_130837.3 (MANE Select); coding-DNA position 339, C replaced by T.
Protein change: p.Tyr113=; no amino-acid change (tyrosine 113 retained).
Molecular consequence: synonymous variant. On other transcripts: 5 prime UTR variant (2).
Genome position (GRCh38, 1-based): chr3:193,615,029, C>T. VCF-style: chr3-193615029-C-T. GRCh37 (hg19) VCF-style: chr3-193332818-C-T.
Other names: c.-34C>T (NM_001354663.2, NM_001354664.2); c.339C>T, p.Tyr113= (NM_015560.3, NM_130831.3, NM_130832.3 and 4 more transcripts).
Identifiers: ClinVar variation 344480 (VCV000344480.13), dbSNP rs779836454, ClinGen allele CA2758983.
Genomic context (GRCh38, chr3:193,615,029, plus strand): 5'-AGCTACGAGACTCTTAAAACTTCGCTATCTCATACTAGGATCGGCTGTTGGGGGTGGCTA[C>T]ACAGCCAAAAAGGTGAACTTGACATTCCTCCTGGTTTTCCAATTATTATATCATGATTAA-3'
Protein context (NP_570850.2, residues 103-123): LILGSAVGGG[Tyr113=]TAKKTFDQWK